The following is an entry in ClinVar:

ClinVar aggregate classification (germline): Likely pathogenic. Review status: criteria provided, single submitter (1 of 4 stars). 2 submissions from 2 submitters: Likely pathogenic (1). 1 of the submissions does not count toward it. Last evaluated 2024-07-02.

Conditions:
Multiple synostoses syndrome 3 (SYNS3). Identifiers: Orphanet 3237, MedGen C2751826, MONDO:0013064, OMIM 612961.

Submissions (2):

MVZ Martinsried, Medicover Genetics
Classification: Likely pathogenic for Multiple synostoses syndrome 3. Last evaluated: 2024-07-02. Review status: criteria provided, single submitter. Criteria: ACGS Guidelines, 2020. Collection method: clinical testing. Allele origin: inherited. Affected: yes.

Institute of Human Genetics, University Hospital of Duesseldorf
Classification: Likely pathogenic for Multiple synostoses syndrome 3. Last evaluated: 2023-02-01. Review status: no assertion criteria provided. Collection method: clinical testing. Allele origin: inherited. Inheritance: Autosomal dominant inheritance. Affected: yes. Observed: 3 variant alleles, 3 heterozygotes. Not counted in ClinVar's aggregate classification.
Comment: Missense variants in FGF9 have been associated with the autosomal dominant Multiple Synostoses Syndrome 3 (SYNS3). The heterozygous missense variant NM_002010.2 (FGF9):c.430T>C, p.(Trp144Arg) in exon 3 of the FGF9 gene was identified in three related individuals that are affected by multiple synostoses and absent in unaffected related individuals. This variant leads to the substitution of a Tryptophan residue to Arginine at position 144, which is situated in the FGF domain of FGF9 and conserved down to Xenopus. It is absent from the general population (gnomAD database v. 3.1.2 and 2.2.1. ACMG Criteria: PP1_strong, PM2_supporting, PP3.

Literature cited by the submitters: PubMed 36980996 (cited by Institute of Human Genetics, University Hospital of Duesseldorf); PubMed 28730625 (cited by Institute of Human Genetics, University Hospital of Duesseldorf); PubMed 19589401 (cited by Institute of Human Genetics, University Hospital of Duesseldorf).

NM_002010.3(FGF9):c.430T>C (p.Trp144Arg)

Gene: FGF9 (fibroblast growth factor 9; plus strand). Cytogenetic location: 13q12.11.
Variant type: single nucleotide variant.
Coding change: c.430T>C on transcript NM_002010.3 (MANE Select); coding-DNA position 430, T replaced by C.
Protein change: p.Trp144Arg; replaces tryptophan 144 with arginine.
Molecular consequence: missense variant.
Genome position (GRCh38, 1-based): chr13:21,701,238, T>C. VCF-style: chr13-21701238-T-C. GRCh37 (hg19) VCF-style: chr13-22275377-T-C.
Other names: c.430T>C (NM_002010.2); short protein forms W144R.
Identifiers: ClinVar variation 2413189 (VCV002413189.3), dbSNP rs2542511852, ClinGen allele CA387674681.
Genomic context (GRCh38, chr13:21,701,238, plus strand): 5'-TTCTTTTTACAGGAAAAACTAACCCAAGAGTGTGTATTCAGAGAACAGTTCGAAGAAAAC[T>C]GGTATAATACGTACTCATCAAACCTATATAAGCACGTGGACACTGGAAGGCGATACTATG-3'
Protein context (NP_002001.1, residues 134-154): CVFREQFEEN[Trp144Arg]YNTYSSNLYK